The following is an entry in ClinVar:

NM_012210.4(TRIM32):c.1376G>A (p.Gly459Asp)

Genes: ASTN2 (astrotactin 2; minus strand), TRIM32 (tripartite motif containing 32; plus strand). Cytogenetic location: 9q33.1.
Variant type: single nucleotide variant.
Coding change: c.1376G>A on transcript NM_012210.4 (MANE Select); coding-DNA position 1376, G replaced by A.
Protein change: p.Gly459Asp; replaces glycine 459 with aspartic acid.
Molecular consequence: missense variant. On other transcripts: intron variant (3).
Genome position (GRCh38, 1-based): chr9:116,699,118, G>A. VCF-style: chr9-116699118-G-A. GRCh37 (hg19) VCF-style: chr9-119461397-G-A.
Other names: c.1376G>A, p.Gly459Asp (NM_001099679.2, NM_001379048.1, NM_001379049.1 and 1 more transcripts); c.2653+26653C>T (NM_014010.5); c.2794+26653C>T (NM_001365069.1); c.2806+26653C>T (NM_001365068.1); short protein forms G459D.
Identifiers: ClinVar variation 1985631 (VCV001985631.4), dbSNP rs1295050066, ClinGen allele CA374651552.
Genomic context (GRCh38, chr9:116,699,118, plus strand): 5'-AGGGGCTGATTGGTGTGACTGACAGCTATGATAACTCCCTCAAGGTATATACCTTGGATG[G>A]CCACTGCGTGGCCTGTCACAGGAGCCAGCTGAGCAAACCATGGGGTATCACAGCCTTGCC-3'
Protein context (NP_036342.2, residues 449-469): DNSLKVYTLD[Gly459Asp]HCVACHRSQL

ClinVar aggregate classification (germline): Uncertain significance (1 of 4 stars; one submission).

Conditions:
Bardet-Biedl syndrome (BBS). Identifiers: Orphanet 110, MedGen C0752166, MONDO:0015229.

Allele frequency attached by ClinVar (database versions not stated): gnomAD exomes below 0.00001.
gnomAD v4.1: 2 of 1,614,058 alleles (0.00012%); highest among the groups gnomAD compares: Non-Finnish European, 0.00017%; no homozygotes.

Submission:

Labcorp Genetics (formerly Invitae), Labcorp
Classification: Uncertain significance for Bardet-Biedl syndrome. Last evaluated: 2022-02-04. Review status: criteria provided, single submitter. Criteria: Invitae Variant Classification Sherloc (09022015). Collection method: clinical testing. Allele origin: germline.
Comment: In summary, the available evidence is currently insufficient to determine the role of this variant in disease. Therefore, it has been classified as a Variant of Uncertain Significance. Algorithms developed to predict the effect of missense changes on protein structure and function (SIFT, PolyPhen-2, Align-GVGD) all suggest that this variant is likely to be disruptive. This variant has not been reported in the literature in individuals affected with TRIM32-related conditions. This variant is present in population databases (no rsID available, gnomAD 0.0009%). This sequence change replaces glycine, which is neutral and non-polar, with aspartic acid, which is acidic and polar, at codon 459 of the TRIM32 protein (p.Gly459Asp).